The following is an entry in ClinVar:

NM_017875.4(SLC25A38):c.276+1G>C

Gene: SLC25A38 (solute carrier family 25 member 38; plus strand). Cytogenetic location: 3p22.1.
Variant type: single nucleotide variant.
Coding change: c.276+1G>C on transcript NM_017875.4 (MANE Select); the canonical splice donor site of the intron after coding-DNA position 276, G replaced by C.
Molecular consequence: splice donor variant.
Genome position (GRCh38, 1-based): chr3:39,390,508, G>C. VCF-style: chr3-39390508-G-C. GRCh37 (hg19) VCF-style: chr3-39431999-G-C.
Other names: c.276+1G>C (NM_001354798.2).
Identifiers: ClinVar variation 1466872 (VCV001466872.8), dbSNP rs2125578753, ClinGen allele CA352199993.

ClinVar aggregate classification (germline): Likely pathogenic (1 of 4 stars; one submission).

Allele frequency attached by ClinVar (database versions not stated): gnomAD exomes below 0.00001.

Submission:

Labcorp Genetics (formerly Invitae), Labcorp
Classification: Likely pathogenic. Last evaluated: 2025-03-09. Review status: criteria provided, single submitter. Criteria: Invitae Variant Classification Sherloc (09022015). Collection method: clinical testing. Allele origin: germline.
Comment: This sequence change affects a donor splice site in intron 3 of the SLC25A38 gene. It is expected to disrupt RNA splicing. Variants that disrupt the donor or acceptor splice site typically lead to a loss of protein function (PMID: 16199547), and loss-of-function variants in SLC25A38 are known to be pathogenic (PMID: 19412178, 25985931). This variant is not present in population databases (gnomAD no frequency). Disruption of this splice site has been observed in individual(s) with congenital sideroblastic anemia (PMID: 34298585). ClinVar contains an entry for this variant (Variation ID: 1466872). Algorithms developed to predict the effect of sequence changes on RNA splicing suggest that this variant may disrupt the consensus splice site. In summary, the currently available evidence indicates that the variant is pathogenic, but additional data are needed to prove that conclusively. Therefore, this variant has been classified as Likely Pathogenic.

Literature cited by the submitters: PubMed 16199547; PubMed 19412178; PubMed 25985931; PubMed 34298585.